The following is an entry in ClinVar:

NM_001244008.2(KIF1A):c.4744-16G>A

Gene: KIF1A (kinesin family member 1A; minus strand). Cytogenetic location: 2q37.3.
Variant type: single nucleotide variant.
Coding change: c.4744-16G>A on transcript NM_001244008.2 (MANE Select); 16 bases into the intron before coding-DNA position 4744, G replaced by A.
Molecular consequence: intron variant.
Genome position (GRCh38, 1-based): chr2:240,721,054, C>T on the plus strand (G>A on the coding strand, the complement: KIF1A is on the minus strand). VCF-style: chr2-240721054-C-T. GRCh37 (hg19) VCF-style: chr2-241660471-C-T.
Other names: c.4441-16G>A (NM_001379653.1, NM_001379650.1, NM_001379641.1 and 2 more transcripts); c.4717-16G>A (NM_001379645.1, NM_001379633.1); c.4567-16G>A (NM_001379635.1, NM_001379646.1); c.4438-16G>A (NM_001379640.1); c.4465-16G>A (NM_001379639.1); c.4468-16G>A (NM_001379649.1, NM_001320705.2); c.4555-16G>A (NM_001379636.1); c.4720-16G>A (NM_001379632.1); and 7 more.
Identifiers: ClinVar variation 2102242 (VCV002102242.4), dbSNP rs763296092, ClinGen allele CA2207312.

ClinVar aggregate classification (germline): Uncertain significance (1 of 4 stars; one submission).

Conditions:
Neuropathy, hereditary sensory, type 2C. Also called: Hereditary sensory and autonomic neuropathy type IIC; KIF1A-Related HSAN2 (HSAN2C). Identifiers: Orphanet 970, MedGen C3280168, MONDO:0013634, OMIM 614213.
Intellectual disability, autosomal dominant 9 (NESCAVS). Also called: NESCAV SYNDROME; KIF1A-Related Neurodevelopmental Disorder. Identifiers: Orphanet 662367, MedGen C5393830, MONDO:0013656, OMIM 614255.
Hereditary spastic paraplegia 30. Identifiers: Orphanet 101010, MedGen C5235139, MONDO:0012476.

Allele frequency attached by ClinVar (database versions not stated): gnomAD exomes below 0.00001; TOPMed below 0.00001; ExAC 0.00001; gnomAD 0.00001.
gnomAD v4.1: 5 of 1,611,114 alleles (0.00031%); highest among the groups gnomAD compares: African/African-American, 0.0053%; no homozygotes.

Submission:

Labcorp Genetics (formerly Invitae), Labcorp
Classification: Uncertain significance for Hereditary spastic paraplegia 30; Neuropathy, hereditary sensory, type 2C; Intellectual disability, autosomal dominant 9. Last evaluated: 2022-11-05. Review status: criteria provided, single submitter. Criteria: Invitae Variant Classification Sherloc (09022015). Collection method: clinical testing. Allele origin: germline.
Comment: In summary, the available evidence is currently insufficient to determine the role of this variant in disease. Therefore, it has been classified as a Variant of Uncertain Significance. Algorithms developed to predict the effect of sequence changes on RNA splicing suggest that this variant may disrupt the consensus splice site. This variant has not been reported in the literature in individuals affected with KIF1A-related conditions. This variant is present in population databases (rs763296092, gnomAD 0.007%). This sequence change falls in intron 41 of the KIF1A gene. It does not directly change the encoded amino acid sequence of the KIF1A protein.